The following is an entry in ClinVar:

NM_001754.5(RUNX1):c.311C>T (p.Thr104Met)

Gene: RUNX1 (RUNX family transcription factor 1; minus strand). Cytogenetic location: 21q22.12.
Variant type: single nucleotide variant.
Coding change: c.311C>T on transcript NM_001754.5 (MANE Select); coding-DNA position 311, C replaced by T.
Protein change: p.Thr104Met; replaces threonine 104 with methionine.
Molecular consequence: missense variant.
Genome position (GRCh38, 1-based): chr21:34,886,883, G>A on the plus strand (C>T on the coding strand, the complement: RUNX1 is on the minus strand). VCF-style: chr21-34886883-G-A. GRCh37 (hg19) VCF-style: chr21-36259180-G-A.
Other names: NM_001754.5(RUNX1):c.311C>T; p.Thr104Met; c.230C>T, p.Thr77Met (NM_001001890.3, NM_001122607.2); short protein forms T104M, T77M.
Identifiers: ClinVar variation 3603866 (VCV003603866.3).

ClinVar aggregate classification (germline): Uncertain significance. Review status: reviewed by expert panel (3 of 4 stars). 2 submissions from 2 submitters: Uncertain significance (1). 1 of the submissions does not count toward it. Last evaluated 2025-03-26.

Conditions:
Hereditary thrombocytopenia and hematologic cancer predisposition syndrome. Identifiers: Orphanet 71290, MedGen CN281654, MONDO:0011071.
Hereditary thrombocytopenia and hematological cancer predisposition syndrome associated with RUNX1. Also called: Familial Platelet Disorder with Propensity to Acute Myelogenous Leukemia; Familial thrombocytopenia with propensity to acute myelogenous leukemia; PLATELET DISORDER, ASPIRIN-LIKE; RUNX1 Familial Platelet Disorder with Associated Myeloid Malignancies. Identifiers: Orphanet 71290, MedGen C1832388, MeSH C563324, MONDO:0100083, OMIM 601399.

Submissions (2):

ClinGen Myeloid Malignancy Variant Curation Expert Panel
Classification: Uncertain significance for Hereditary thrombocytopenia and hematologic cancer predisposition syndrome. Last evaluated: 2025-03-26. Review status: reviewed by expert panel. Criteria: ClinGen MyeloMalig ACMG Specifications v2. Collection method: curation. Allele origin: germline. Inheritance: Autosomal dominant inheritance.
Comment: NM_001754.5(RUNX1):c.311C>T (p.Thr104Met) is a missense variant which is completely absent from all population databases with at least 20x coverage for RUNX1 (PM2_supporting). This missense variant is located within the Runt Homology Domain (AA 89-204), but does not occur in an established hotspot residue (PM1_supporting). In summary, the clinical significance of this variant is uncertain. ACMG/AMP criteria applied, as specified by the Myeloid Malignancy Variant Curation Expert Panel for RUNX1: PM1_supporting, PM2_supporting.

Labcorp Genetics (formerly Invitae), Labcorp
Classification: Uncertain significance for Hereditary thrombocytopenia and hematological cancer predisposition syndrome associated with RUNX1. Last evaluated: 2024-04-26. Review status: criteria provided, single submitter. Criteria: Invitae Variant Classification Sherloc (09022015). Collection method: clinical testing. Allele origin: germline. Not counted in ClinVar's aggregate classification.
Comment: This sequence change replaces threonine, which is neutral and polar, with methionine, which is neutral and non-polar, at codon 104 of the RUNX1 protein (p.Thr104Met). This variant is not present in population databases (gnomAD no frequency). This variant has not been reported in the literature in individuals affected with RUNX1-related conditions. Advanced modeling of protein sequence and biophysical properties (such as structural, functional, and spatial information, amino acid conservation, physicochemical variation, residue mobility, and thermodynamic stability) has been performed at Invitae for this missense variant, however the output from this modeling did not meet the statistical confidence thresholds required to predict the impact of this variant on RUNX1 protein function. In summary, the available evidence is currently insufficient to determine the role of this variant in disease. Therefore, it has been classified as a Variant of Uncertain Significance.